The following is an entry in ClinVar:

ClinVar aggregate classification (germline): Uncertain significance. Review status: criteria provided, multiple submitters, no conflicts (2 of 4 stars). 2 submissions from 2 submitters: Uncertain significance (2). Last evaluated 2024-09-24.

Conditions:
Neuropathy, hereditary sensory and autonomic, type 2A (HSAN2A). Also called: ACROOSTEOLYSIS, GIACCAI TYPE; ACROOSTEOLYSIS, NEUROGENIC; MORVAN DISEASE; WNK1-Related HSAN2 (HSAN2A); HSAN IIA; NEUROPATHY, CONGENITAL SENSORY. Identifiers: Orphanet 970, MedGen C2752089, MONDO:0024309, OMIM 201300.
Pseudohypoaldosteronism type 2C (PHA2C). Also called: Pseudohypoaldosteronism Type IIC. Identifiers: Orphanet 757, Orphanet 88940, MedGen C1840391, MONDO:0013778, OMIM 614492.

gnomAD v4.1: 1 of 1,614,140 alleles (0.000062%); highest among the groups gnomAD compares: Non-Finnish European, 0.000085%; no homozygotes.

Submissions (2):

Labcorp Genetics (formerly Invitae), Labcorp
Classification: Uncertain significance for Neuropathy, hereditary sensory and autonomic, type 2A; Pseudohypoaldosteronism type 2C. Last evaluated: 2024-09-24. Review status: criteria provided, single submitter. Criteria: Invitae Variant Classification Sherloc (09022015). Collection method: clinical testing. Allele origin: germline.
Comment: This sequence change replaces glutamine, which is neutral and polar, with leucine, which is neutral and non-polar, at codon 2086 of the WNK1 protein (p.Gln2086Leu). This variant is not present in population databases (gnomAD no frequency). This variant has not been reported in the literature in individuals affected with WNK1-related conditions. Invitae Evidence Modeling of protein sequence and biophysical properties (such as structural, functional, and spatial information, amino acid conservation, physicochemical variation, residue mobility, and thermodynamic stability) indicates that this missense variant is not expected to disrupt WNK1 protein function with a negative predictive value of 95%. In summary, the available evidence is currently insufficient to determine the role of this variant in disease. Therefore, it has been classified as a Variant of Uncertain Significance.

Fulgent Genetics
Classification: Uncertain significance for Neuropathy, hereditary sensory and autonomic, type 2A; Pseudohypoaldosteronism type 2C. Last evaluated: 2024-03-20. Review status: criteria provided, single submitter. Criteria: ACMG Guidelines, 2015. Collection method: clinical testing. Allele origin: germline.

NM_018979.4(WNK1):c.5501A>T (p.Gln1834Leu)

Gene: WNK1 (WNK lysine deficient protein kinase 1; plus strand). Cytogenetic location: 12p13.33.
Variant type: single nucleotide variant.
Coding change: c.5501A>T on transcript NM_018979.4 (MANE Select); coding-DNA position 5501, A replaced by T.
Protein change: p.Gln1834Leu; replaces glutamine 1834 with leucine.
Molecular consequence: missense variant.
Genome position (GRCh38, 1-based): chr12:890,505, A>T. VCF-style: chr12-890505-A-T. GRCh37 (hg19) VCF-style: chr12-999671-A-T.
Other names: c.6257A>T, p.Gln2086Leu (NM_213655.5); c.6281A>T, p.Gln2094Leu (NM_001184985.2); c.4760A>T, p.Gln1587Leu (NM_014823.3); short protein forms Q2094L, Q2086L, Q1834L, Q1587L.
Identifiers: ClinVar variation 3575625 (VCV003575625.3).
Genomic context (GRCh38, chr12:890,505, plus strand): 5'-TTTTACAGCCTGTGTCCATGGCGGCTCCAACAGCAATCACAGAAGCAGGAACACAGCCTC[A>T]GAAGGGTGGTGAGAAACATCCTTCCTCCTTTTATATTACTAATTCCAGCCCTACCCGTAG-3'
Protein context (NP_061852.3, residues 1824-1844): TAITEAGTQP[Gln1834Leu]KGVSQVKEGP